The following is an entry in ClinVar:

ClinVar aggregate classification (germline): Uncertain significance. Review status: criteria provided, multiple submitters, no conflicts (2 of 4 stars). 2 submissions from 2 submitters: Uncertain significance (2). Last evaluated 2023-12-13.

Conditions:
Catecholaminergic polymorphic ventricular tachycardia (CVPT). Also called: Catecholamine-induced polymorphic ventricular tachycardia. Identifiers: Orphanet 3286, MedGen C5574922, MONDO:0017990.
Cardiovascular phenotype. Identifiers: MedGen CN230736.

Submissions (2):

All of Us Research Program, National Institutes of Health
Classification: Uncertain significance for Catecholaminergic polymorphic ventricular tachycardia. Last evaluated: 2023-12-13. Review status: criteria provided, single submitter. Criteria: ACMG Guidelines, 2015. Collection method: clinical testing. Allele origin: germline. Inheritance: Autosomal dominant inheritance. Observed: 1 variant allele, 1 heterozygote.
Comment: This missense variant replaces alanine with valine at codon 3645 of the RYR2 protein. Computational prediction is inconclusive regarding the impact of this variant on protein structure and function (internally defined REVEL score threshold 0.5 < inconclusive < 0.7, PMID: 27666373). To our knowledge, functional studies have not been reported for this variant. This variant has not been reported in individuals affected with RYR2-related disorders in the literature. This variant has not been identified in the general population by the Genome Aggregation Database (gnomAD). The available evidence is insufficient to determine the role of this variant in disease conclusively. Therefore, this variant is classified as a Variant of Uncertain Significance.

This study involves interpretation of variants in research participants for the purpose of population health screening. Participant phenotype was not available at the time of variant classification. Additional details can be found in publication PMID: 35346344, PMCID: PMC8962531

Ambry Genetics
Classification: Uncertain significance for Cardiovascular phenotype. Last evaluated: 2022-10-20. Review status: criteria provided, single submitter. Criteria: Ambry Variant Classification Scheme 2023. Collection method: clinical testing. Allele origin: germline.
Comment: The p.A3645V variant (also known as c.10934C>T), located in coding exon 77 of the RYR2 gene, results from a C to T substitution at nucleotide position 10934. The alanine at codon 3645 is replaced by valine, an amino acid with similar properties. This amino acid position is highly conserved in available vertebrate species. In addition, the in silico prediction for this alteration is inconclusive. Since supporting evidence is limited at this time, the clinical significance of this alteration remains unclear.

NM_001035.3(RYR2):c.10934C>T (p.Ala3645Val)

Gene: RYR2 (ryanodine receptor 2; plus strand). Cytogenetic location: 1q43.
Variant type: single nucleotide variant.
Coding change: c.10934C>T on transcript NM_001035.3 (MANE Select); coding-DNA position 10934, C replaced by T.
Protein change: p.Ala3645Val; replaces alanine 3645 with valine.
Molecular consequence: missense variant.
Genome position (GRCh38, 1-based): chr1:237,730,355, C>T. VCF-style: chr1-237730355-C-T. GRCh37 (hg19) VCF-style: chr1-237893655-C-T.
Other names: short protein forms A3645V.
Identifiers: ClinVar variation 1789834 (VCV001789834.3), dbSNP rs2527043357, ClinGen allele CA345417967.